The following is an entry in ClinVar:

NM_000302.4(PLOD1):c.407G>A (p.Arg136His)

Gene: PLOD1 (procollagen-lysine,2-oxoglutarate 5-dioxygenase 1; plus strand). Cytogenetic location: 1p36.22.
Variant type: single nucleotide variant.
Coding change: c.407G>A on transcript NM_000302.4 (MANE Select); coding-DNA position 407, G replaced by A.
Protein change: p.Arg136His; replaces arginine 136 with histidine.
Molecular consequence: missense variant.
Genome position (GRCh38, 1-based): chr1:11,950,461, G>A. VCF-style: chr1-11950461-G-A. GRCh37 (hg19) VCF-style: chr1-12010518-G-A.
Other names: c.548G>A, p.Arg183His (NM_001316320.2); c.407G>A (NM_000302.3); short protein forms R136H, R183H.
Identifiers: ClinVar variation 657436 (VCV000657436.9), dbSNP rs148510973, ClinGen allele CA17999142.

ClinVar aggregate classification (germline): Uncertain significance. Review status: criteria provided, multiple submitters, no conflicts (2 of 4 stars). 3 submissions from 3 submitters: Uncertain significance (3). Last evaluated 2025-06-20.

Conditions:
Ehlers-Danlos syndrome, kyphoscoliotic type 1 (EDSKSCL1). Also called: PLOD1-Related Kyphoscoliotic Ehlers-Danlos Syndrome; EHLERS-DANLOS SYNDROME, OCULAR-SCOLIOTIC TYPE; Ehlers-Danlos syndrome, hydroxylysine-deficient; EHLERS-DANLOS SYNDROME, TYPE VIA. Identifiers: Orphanet 1900, MedGen C0268342, MONDO:0016002, OMIM 225400. Disease mechanism: loss of function.
Familial thoracic aortic aneurysm and aortic dissection (TAAD). Also called: Thoracic aortic aneurysms and dissections. Identifiers: Orphanet 91387, MedGen C4707243, MONDO:0019625.

Allele frequency attached by ClinVar (database versions not stated): gnomAD 0.00001; TOPMed 0.00002; ESP Exome Variant Server 0.00008.
gnomAD v4.1: 37 of 1,613,974 alleles (0.0023%); highest among the groups gnomAD compares: Non-Finnish European, 0.0028%; no homozygotes.

Submissions (3):

Labcorp Genetics (formerly Invitae), Labcorp
Classification: Uncertain significance for Ehlers-Danlos syndrome, kyphoscoliotic type 1. Last evaluated: 2025-06-20. Review status: criteria provided, single submitter. Criteria: Invitae Variant Classification Sherloc (09022015). Collection method: clinical testing. Allele origin: germline.
Comment: This sequence change replaces arginine, which is basic and polar, with histidine, which is basic and polar, at codon 136 of the PLOD1 protein (p.Arg136His). This variant is present in population databases (rs148510973, gnomAD 0.007%). This variant has not been reported in the literature in individuals affected with PLOD1-related conditions. ClinVar contains an entry for this variant (Variation ID: 657436). Invitae Evidence Modeling of protein sequence and biophysical properties (such as structural, functional, and spatial information, amino acid conservation, physicochemical variation, residue mobility, and thermodynamic stability) indicates that this missense variant is not expected to disrupt PLOD1 protein function with a negative predictive value of 95%. In summary, the available evidence is currently insufficient to determine the role of this variant in disease. Therefore, it has been classified as a Variant of Uncertain Significance.

Women's Health and Genetics/Laboratory Corporation of America, LabCorp
Classification: Uncertain significance. Last evaluated: 2024-05-09. Review status: criteria provided, single submitter. Criteria: LabCorp Variant Classification Summary - May 2015. Collection method: clinical testing. Allele origin: germline.
Comment: Variant summary: PLOD1 c.407G>A (p.Arg136His) results in a non-conservative amino acid change in the encoded protein sequence. Four of five in-silico tools predict a damaging effect of the variant on protein function. The variant was absent in 251420 control chromosomes. The available data on variant occurrences in the general population are insufficient to allow any conclusion about variant significance. To our knowledge, no occurrence of c.407G>A in individuals affected with Ehlers-Danlos Syndrome Type VI and no experimental evidence demonstrating its impact on protein function have been reported. ClinVar contains an entry for this variant (Variation ID: 657436). Based on the evidence outlined above, the variant was classified as uncertain significance.

Ambry Genetics
Classification: Uncertain significance for Familial thoracic aortic aneurysm and aortic dissection. Last evaluated: 2023-04-24. Review status: criteria provided, single submitter. Criteria: Ambry Variant Classification Scheme 2023. Collection method: clinical testing. Allele origin: germline.
Comment: The p.R136H variant (also known as c.407G>A), located in coding exon 4 of the PLOD1 gene, results from a G to A substitution at nucleotide position 407. The arginine at codon 136 is replaced by histidine, an amino acid with highly similar properties. This amino acid position is conserved. In addition, the in silico prediction for this alteration is inconclusive. Since supporting evidence is limited at this time, the clinical significance of this alteration remains unclear.